The following is an entry in ClinVar:

ClinVar aggregate classification (germline): Benign/Likely benign. Review status: criteria provided, multiple submitters, no conflicts (2 of 4 stars). 8 submissions from 8 submitters: Benign (1); Likely benign (4). 3 of the submissions do not count toward it. Last evaluated 2025-11-24.

Conditions:
MYLK2-related disorder. Also called: MYLK2-related condition.
Hypertrophic cardiomyopathy 1 (CMH1). Also called: Familial hypertrophic cardiomyopathy 1; MYH7-Related Familial Hypertrophic Cardiomyopathy. Identifiers: MedGen C3495498, MONDO:0008647, OMIM 192600.

Allele frequency attached by ClinVar (database versions not stated): ESP Exome Variant Server 0.00008; ExAC 0.00012; gnomAD exomes 0.00013 and 0.00014; TOPMed 0.00021; gnomAD 0.00022 and 0.00023.
gnomAD v4.1: 220 of 1,614,034 alleles (0.014%); highest among the groups gnomAD compares: Non-Finnish European, 0.018%; no homozygotes.

Submissions (8):

Labcorp Genetics (formerly Invitae), Labcorp
Classification: Likely benign for Hypertrophic cardiomyopathy 1. Last evaluated: 2025-11-24. Review status: criteria provided, single submitter. Criteria: Invitae Variant Classification Sherloc (09022015). Collection method: clinical testing. Allele origin: germline.

Laboratory of Genetics, Children's Clinical University Hospital Latvia
Classification: Likely benign. Last evaluated: 2025-02-16. Review status: criteria provided, single submitter. Criteria: ACMG Guidelines, 2015. Collection method: clinical testing. Allele origin: germline. Affected: yes.

Ambry Genetics
Classification: Likely benign. Last evaluated: 2022-06-19. Review status: criteria provided, single submitter. Criteria: Ambry Variant Classification Scheme 2023. Collection method: clinical testing. Allele origin: germline.

GeneDx
Classification: Benign. Last evaluated: 2014-05-19. Review status: criteria provided, single submitter. Criteria: GeneDx Variant Classification (06012015). Collection method: clinical testing. Allele origin: germline. Affected: yes.
Comment: This variant is considered likely benign or benign based on one or more of the following criteria: it is a conservative change, it occurs at a poorly conserved position in the protein, it is predicted to be benign by multiple in silico algorithms, and/or has population frequency not consistent with disease.

Laboratory for Molecular Medicine, Mass General Brigham Personalized Medicine
Classification: Likely benign. Last evaluated: 2012-04-12. Review status: criteria provided, single submitter. Criteria: LMM Criteria. Collection method: clinical testing. Allele origin: germline. Observed: 1 variant allele.
Comment: Asn436Asn in Exon 10 of MYLK2: This variant is not expected to have clinical sig nificance because it does not alter an amino acid residue and is not located wit hin the splice consensus sequence. It has been identified in 1/7020 European Ame rican chromosomes from a broad population by the NHLBI Exome Sequencing Project. Asn436Asn in exon 10 of MYLK2 (allele frequ ency = 1/7020) **

PreventionGenetics, part of Exact Sciences
Classification: Likely benign for MYLK2-related condition. Last evaluated: 2023-12-12. Review status: no assertion criteria provided. Collection method: clinical testing. Allele origin: germline. Not counted in ClinVar's aggregate classification.
Comment: This variant is classified as likely benign based on ACMG/AMP sequence variant interpretation guidelines (Richards et al. 2015 PMID: 25741868, with internal and published modifications).

Clinical Genetics DNA and cytogenetics Diagnostics Lab, Erasmus MC, Erasmus Medical Center
Classification: Likely benign. Review status: no assertion criteria provided. Collection method: clinical testing. Allele origin: germline. Affected: yes. Study: VKGL Data-share Consensus. Not counted in ClinVar's aggregate classification.

Joint Genome Diagnostic Labs from Nijmegen and Maastricht, Radboudumc and MUMC+
Classification: Likely benign. Review status: no assertion criteria provided. Collection method: clinical testing. Allele origin: germline. Affected: yes. Study: VKGL Data-share Consensus. Not counted in ClinVar's aggregate classification.

NM_033118.4(MYLK2):c.1308C>T (p.Asn436=)

Gene: MYLK2 (myosin light chain kinase 2; plus strand). Cytogenetic location: 20q11.21.
Variant type: single nucleotide variant.
Coding change: c.1308C>T on transcript NM_033118.4 (MANE Select); coding-DNA position 1308, C replaced by T.
Protein change: p.Asn436=; no amino-acid change (asparagine 436 retained).
Molecular consequence: synonymous variant.
Genome position (GRCh38, 1-based): chr20:31,831,025, C>T. VCF-style: chr20-31831025-C-T. GRCh37 (hg19) VCF-style: chr20-30418828-C-T.
Other names: p.N436N:AAC>AAT.
Identifiers: ClinVar variation 46520 (VCV000046520.34), dbSNP rs369603764, ClinGen allele CA138517.